The following is an entry in ClinVar:

NM_207315.4(CMPK2):c.625A>G (p.Ser209Gly)

Gene: CMPK2 (cytidine/uridine monophosphate kinase 2; minus strand). Cytogenetic location: 2p25.2.
Variant type: single nucleotide variant.
Coding change: c.625A>G on transcript NM_207315.4 (MANE Select); coding-DNA position 625, A replaced by G.
Protein change: p.Ser209Gly; replaces serine 209 with glycine.
Molecular consequence: missense variant.
Genome position (GRCh38, 1-based): chr2:6,865,072, T>C on the plus strand (A>G on the coding strand, the complement: CMPK2 is on the minus strand). VCF-style: chr2-6865072-T-C. GRCh37 (hg19) VCF-style: chr2-7005203-T-C.
Other names: c.625A>G, p.Ser209Gly (NM_001256477.1, NM_001256478.1); short protein forms S209G.
Identifiers: ClinVar variation 4994935 (VCV004994935.1).

ClinVar aggregate classification (germline): Likely benign (1 of 4 stars; one submission).

Conditions:
CMPK2-related disorder. Also called: CMPK2-related condition.

gnomAD v4.1: 714 of 1,468,460 alleles (0.049%); highest among the groups gnomAD compares: South Asian, 0.58%; 4 homozygotes.

Submission:

PreventionGenetics, part of Exact Sciences
Classification: Likely benign for CMPK2-related condition. Last evaluated: 2026-02-04. Review status: criteria provided, single submitter. Criteria: ACMG Guidelines, 2015. Collection method: clinical testing. Allele origin: germline.
Comment: This variant is classified as likely benign based on ACMG/AMP sequence variant interpretation guidelines (Richards et al. 2015 PMID: 25741868, with internal and published modifications).